The following is an entry in ClinVar:

ClinVar aggregate classification (germline): Uncertain significance (1 of 4 stars; one submission).

Submission:

Ambry Genetics
Classification: Uncertain significance. Last evaluated: 2026-07-19. Review status: criteria provided, single submitter. Criteria: Ambry Variant Classification Scheme 2023. Collection method: clinical testing. Allele origin: germline.
Comment: The c.1570A>G (p.I524V) alteration is located in exon 10 (coding exon 9) of the SLC7A3 gene. This alteration results from a A to G substitution at nucleotide position 1570, causing the isoleucine (I) at amino acid position 524 to be replaced by a valine (V). Based on data from gnomAD, the G allele has an overall frequency of 0.001% (1/181386) total alleles studied. The highest observed frequency was 0.001% (1/80118) of European (non-Finnish) alleles. Based on insufficient or conflicting evidence, the clinical significance of this alteration remains unclear.

NM_032803.6(SLC7A3):c.1570A>G (p.Ile524Val)

Gene: SLC7A3 (solute carrier family 7 member 3; minus strand). Cytogenetic location: Xq13.1.
Variant type: single nucleotide variant.
Coding change: c.1570A>G on transcript NM_032803.6 (MANE Select); coding-DNA position 1570, A replaced by G.
Protein change: p.Ile524Val; replaces isoleucine 524 with valine.
Molecular consequence: missense variant.
Genome position (GRCh38, 1-based): chrX:70,926,577, T>C on the plus strand (A>G on the coding strand, the complement: SLC7A3 is on the minus strand). VCF-style: chrX-70926577-T-C. GRCh37 (hg19) VCF-style: chrX-70146427-T-C.
Other names: c.1570A>G, p.Ile524Val (NM_001048164.3); short protein forms I524V.
Identifiers: ClinVar variation 5029666 (VCV005029666.1).
Genomic context (GRCh38, chrX:70,926,577, plus strand): 5'-GTTCATTTACCTTAAAGTGAAGGGGAGTGGAACTCTGTGGCTGTCTCCAGATGACCACAA[T>C]GATCCCAATAATGAGCAGCAGGAGCAGCACAACCACTGCAGTCCACAGCAGGTCTCCAGA-3'
Protein context (NP_116192.4, residues 514-534): VLLLLLIIGI[Ile524Val]VVIWRQPQSS